The following is an entry in ClinVar:

NM_015072.5(TTLL5):c.1924A>G (p.Asn642Asp)

Gene: TTLL5 (tubulin tyrosine ligase like 5; plus strand). Cytogenetic location: 14q24.3.
Variant type: single nucleotide variant.
Coding change: c.1924A>G on transcript NM_015072.5 (MANE Select); coding-DNA position 1924, A replaced by G.
Protein change: p.Asn642Asp; replaces asparagine 642 with aspartic acid.
Molecular consequence: missense variant.
Genome position (GRCh38, 1-based): chr14:75,766,277, A>G. VCF-style: chr14-75766277-A-G. GRCh37 (hg19) VCF-style: chr14-76232620-A-G.
Other names: short protein forms N642D.
Identifiers: ClinVar variation 1373065 (VCV001373065.6), dbSNP rs1286609816, ClinGen allele CA390467543.
Genomic context (GRCh38, chr14:75,766,277, plus strand): 5'-TTGACAGCTTTGGTAGAAAATACACCCAAAGAAAATTCCATGAAAGTTCGTGAATGGAAT[A>G]ATAAAGGTGGACACTGCTGCAAACTTGAGACTCAGGAGCTAGAGCCTAAATTTAACCTGA-3'
Protein context (NP_055887.3, residues 632-652): ENSMKVREWN[Asn642Asp]KGGHCCKLET

ClinVar aggregate classification (germline): Uncertain significance (1 of 4 stars; one submission).

Allele frequency attached by ClinVar (database versions not stated): gnomAD exomes 0.00001; TOPMed 0.00001.
gnomAD v4.1: 4 of 1,614,112 alleles (0.00025%); highest among the groups gnomAD compares: East Asian, 0.0089%; no homozygotes.

Submission:

Labcorp Genetics (formerly Invitae), Labcorp
Classification: Uncertain significance. Last evaluated: 2021-08-06. Review status: criteria provided, single submitter. Criteria: Invitae Variant Classification Sherloc (09022015). Collection method: clinical testing. Allele origin: germline.
Comment: In summary, the available evidence is currently insufficient to determine the role of this variant in disease. Therefore, it has been classified as a Variant of Uncertain Significance. Algorithms developed to predict the effect of missense changes on protein structure and function output the following: SIFT: "Tolerated"; PolyPhen-2: "Benign"; Align-GVGD: "Class C0". The aspartic acid amino acid residue is found in multiple mammalian species, which suggests that this missense change does not adversely affect protein function. This variant has not been reported in the literature in individuals affected with TTLL5-related conditions. This variant is not present in population databases (ExAC no frequency). This sequence change replaces asparagine with aspartic acid at codon 642 of the TTLL5 protein (p.Asn642Asp). The asparagine residue is weakly conserved and there is a small physicochemical difference between asparagine and aspartic acid.